The following is an entry in ClinVar:

ClinVar aggregate classification (germline): Pathogenic. Review status: criteria provided, multiple submitters, no conflicts (2 of 4 stars). 2 submissions from 2 submitters: Pathogenic (2). Last evaluated 2021-05-06.

Conditions:
Type 2 collagenopathy. Identifiers: Orphanet 93421, MedGen C2931073, MONDO:0022800.

Submissions (2):

Victorian Clinical Genetics Services, Murdoch Childrens Research Institute
Classification: Pathogenic for Type 2 collagenopathy. Last evaluated: 2021-05-06. Review status: criteria provided, single submitter. Criteria: ACMG Guidelines, 2015. Collection method: clinical testing. Allele origin: germline. Inheritance: Autosomal dominant inheritance.
Comment: Based on the classification scheme VCGS_Germline_v1.3.4, this variant is classified as Pathogenic. Following criteria are met: 0103 - Dominant negative and loss of function are known mechanisms of disease in this gene. Protein truncating variants leading to haploinsufficiency are typically associated with Stickler syndrome while variants affecting glycine residues exert a dominant negative effect and is commonly associated with spondyloepiphyseal dysplasia (PMIDs: 20179744, 15895462). (I) 0107 - This gene is associated with autosomal dominant disease. (I) 0200 - Variant is predicted to result in a missense amino acid change from glycine to arginine. (I) 0254 - This variant is suspected mosaic. (I) 0301 - Variant is absent from gnomAD (both v2 and v3). (SP) 0501 - Missense variant consistently predicted to be damaging by multiple in silico tools and highly conserved with a major amino acid change. (SP) 0601 - Variant is located in the well-established functional domain. This variant affects the glycine residue of a Gly-X-Y repeat within the triple helical domain (UniProt, Decipher). (SP) 0704 - Other missense variants comparable to the one identified in this case have moderate previous evidence for pathogenicity. The p.(Arg759Asp) variant has been reported on one individual with spondyloepiphyseal dysplasia congenita and abnormal vitreous appearance (PMID: 17347327) while the p.(Arg759Ser) is listed in LOVD and associated with Stickler syndrome, type 1. (SP) 0807 - This variant has no previous evidence of pathogenicity. (I) 0905 - No published segregation evidence has been identified for this variant. (I) 1007 - No published functional evidence has been identified for this variant. (I) 1207 - Parental origin of the variant is unresolved. (I) Legend: (SP) - Supporting pathogenic, (I) - Information, (SB) - Supporting benign

Labcorp Genetics (formerly Invitae), Labcorp
Classification: Pathogenic. Last evaluated: 2020-12-03. Review status: criteria provided, single submitter. Criteria: Invitae Variant Classification Sherloc (09022015). Collection method: clinical testing. Allele origin: germline.
Comment: Advanced modeling of protein sequence and biophysical properties (such as structural, functional, and spatial information, amino acid conservation, physicochemical variation, residue mobility, and thermodynamic stability) performed at Invitae indicates that this missense variant is expected to disrupt COL2A1 protein function. For these reasons, this variant has been classified as Pathogenic. Glycine residues within the Gly-Xaa-Yaa repeats of the triple helix domain are required for the structure and stability of fibrillar collagens (PMID: 7695699, 8218237, 19344236). In COL2A1, missense variants at these glycine residues are significantly enriched in individuals with disease (PMID: 10612821, 26443184) compared to the general population (ExAC) This variant has been observed in individual(s) with clinical features of COL2A1-related conditions (Invitae). This variant is not present in population databases (ExAC no frequency). This sequence change replaces glycine with arginine at codon 759 of the COL2A1 protein (p.Gly759Arg). The glycine residue is highly conserved and there is a moderate physicochemical difference between glycine and arginine. This variant disrupts the p.Gly759 amino acid residue in COL2A1. Other variant(s) that disrupt this residue have been observed in individuals with COL2A1-related conditions (PMID: 17347327, 26443184), which suggests that this may be a clinically significant amino acid residue.

Literature cited by the submitters: PubMed 15895462 (cited by Victorian Clinical Genetics Services, Murdoch Childrens Research Institute); PubMed 17347327 (cited by Victorian Clinical Genetics Services, Murdoch Childrens Research Institute and Labcorp Genetics (formerly Invitae), Labcorp); PubMed 20179744 (cited by Victorian Clinical Genetics Services, Murdoch Childrens Research Institute); PubMed 7695699 (cited by Labcorp Genetics (formerly Invitae), Labcorp); PubMed 8218237 (cited by Labcorp Genetics (formerly Invitae), Labcorp); PubMed 19344236 (cited by Labcorp Genetics (formerly Invitae), Labcorp); PubMed 10612821 (cited by Labcorp Genetics (formerly Invitae), Labcorp); PubMed 26443184 (cited by Labcorp Genetics (formerly Invitae), Labcorp).

NM_001844.5(COL2A1):c.2275G>C (p.Gly759Arg)

Gene: COL2A1 (collagen type II alpha 1 chain; minus strand). Cytogenetic location: 12q13.11.
Variant type: single nucleotide variant.
Coding change: c.2275G>C on transcript NM_001844.5 (MANE Select); coding-DNA position 2275, G replaced by C.
Protein change: p.Gly759Arg; replaces glycine 759 with arginine.
Molecular consequence: missense variant.
Genome position (GRCh38, 1-based): chr12:47,982,528, C>G on the plus strand (G>C on the coding strand, the complement: COL2A1 is on the minus strand). VCF-style: chr12-47982528-C-G. GRCh37 (hg19) VCF-style: chr12-48376311-C-G.
Other names: c.2068G>C, p.Gly690Arg (NM_033150.3); short protein forms G759R, G690R.
Identifiers: ClinVar variation 1454515 (VCV001454515.10), dbSNP rs2136548994, ClinGen allele CA384545980.